The following is an entry in ClinVar:

ClinVar aggregate classification (germline): Uncertain significance (1 of 4 stars; one submission).

gnomAD v4.1: 19 of 1,613,832 alleles (0.0012%); highest among the groups gnomAD compares: East Asian, 0.0022%; no homozygotes.

Submission:

Labcorp Genetics (formerly Invitae), Labcorp
Classification: Uncertain significance. Last evaluated: 2024-05-17. Review status: criteria provided, single submitter. Criteria: Invitae Variant Classification Sherloc (09022015). Collection method: clinical testing. Allele origin: germline.
Comment: This sequence change replaces arginine, which is basic and polar, with cysteine, which is neutral and slightly polar, at codon 1053 of the ANLN protein (p.Arg1053Cys). This variant is present in population databases (rs757618904, gnomAD 0.007%). This variant has not been reported in the literature in individuals affected with ANLN-related conditions. Advanced modeling of protein sequence and biophysical properties (such as structural, functional, and spatial information, amino acid conservation, physicochemical variation, residue mobility, and thermodynamic stability) performed at Invitae indicates that this missense variant is not expected to disrupt ANLN protein function with a negative predictive value of 80%. In summary, the available evidence is currently insufficient to determine the role of this variant in disease. Therefore, it has been classified as a Variant of Uncertain Significance.

NM_018685.5(ANLN):c.3157C>T (p.Arg1053Cys)

Gene: ANLN (anillin, actin binding protein; plus strand). Cytogenetic location: 7p14.2.
Variant type: single nucleotide variant.
Coding change: c.3157C>T on transcript NM_018685.5 (MANE Select); coding-DNA position 3157, C replaced by T.
Protein change: p.Arg1053Cys; replaces arginine 1053 with cysteine.
Molecular consequence: missense variant.
Genome position (GRCh38, 1-based): chr7:36,449,743, C>T. VCF-style: chr7-36449743-C-T. GRCh37 (hg19) VCF-style: chr7-36489352-C-T.
Other names: c.3046C>T, p.Arg1016Cys (NM_001284301.3); c.3043C>T, p.Arg1015Cys (NM_001284302.3); short protein forms R1015C, R1016C, R1053C.
Identifiers: ClinVar variation 3623876 (VCV003623876.2).